The following is an entry in ClinVar:

NM_001267550.2(TTN):c.56348-1G>A

Genes: TTN (titin; minus strand), TTN-AS1 (TTN antisense RNA 1; plus strand). Cytogenetic location: 2q31.2.
Variant type: single nucleotide variant.
Coding change: c.56348-1G>A on transcript NM_001267550.2 (MANE Select); the canonical splice acceptor site of the intron before coding-DNA position 56348, G replaced by A.
Molecular consequence: splice acceptor variant.
Genome position (GRCh38, 1-based): chr2:178,599,446, C>T on the plus strand (G>A on the coding strand, the complement: TTN is on the minus strand). VCF-style: chr2-178599446-C-T. GRCh37 (hg19) VCF-style: chr2-179464173-C-T.
Other names: c.29153-1G>A (NM_003319.4); c.29729-1G>A (NM_133437.4); c.29528-1G>A (NM_133432.3); c.48644-1G>A (NM_133378.4); c.51425-1G>A (NM_001256850.1).
Identifiers: ClinVar variation 858441 (VCV000858441.10), dbSNP rs2052685102, ClinGen allele CA349532846.
Genomic context (GRCh38, chr2:178,599,446, plus strand): 5'-TCATTTGATCTGCTGAAACAGATTCAAATTTTATGGGTCCCACTGGAGGGCCAGGACGAC[C>T]TAAAATGGTTTAAAGAAGGAACCCTTTATCACTCAGATGATTTTAAAGCCAAATGTTATT-3'

ClinVar aggregate classification (germline): Likely pathogenic (1 of 4 stars; one submission).

Conditions:
Dilated cardiomyopathy 1G (CMD1G). Identifiers: Orphanet 154, MedGen C1858763, MONDO:0011400, OMIM 604145.
Autosomal recessive limb-girdle muscular dystrophy type 2J (LGMDR10). Also called: Limb-girdle muscular dystrophy, type 2J; MUSCULAR DYSTROPHY, LIMB-GIRDLE, AUTOSOMAL RECESSIVE 10. Identifiers: Orphanet 140922, MedGen C1837342, MONDO:0012127, OMIM 608807.

gnomAD v4.1: 2 of 1,522,704 alleles (0.00013%); highest among the groups gnomAD compares: Non-Finnish European, 0.00018%; no homozygotes.

Submission:

Labcorp Genetics (formerly Invitae), Labcorp
Classification: Likely pathogenic for Dilated cardiomyopathy 1G; Autosomal recessive limb-girdle muscular dystrophy type 2J. Last evaluated: 2019-12-19. Review status: criteria provided, single submitter. Criteria: Invitae Variant Classification Sherloc (09022015). Collection method: clinical testing. Allele origin: germline.
Comment: In summary, the currently available evidence indicates that the variant is pathogenic, but additional data are needed to prove that conclusively. Therefore, this variant has been classified as Likely Pathogenic. This variant is located in the A band of TTN (PMID: 25589632). Truncating variants in this region are significantly overrepresented in patients affected with dilated cardiomyopathy (PMID: 25589632). Truncating variants in this region have also been reported in individuals affected with autosomal recessive centronuclear myopathy (PMID: 23975875). Algorithms developed to predict the effect of sequence changes on RNA splicing suggest that this variant may disrupt the consensus splice site, but this prediction has not been confirmed by published transcriptional studies. This variant has not been reported in the literature in individuals with TTN-related conditions. This variant is not present in population databases (ExAC no frequency). This sequence change affects an acceptor splice site in intron 289 of the TTN gene. It is expected to disrupt RNA splicing and likely results in an absent or disrupted protein product.

Literature cited by the submitters: PubMed 25589632; PubMed 23975875.